The following is an entry in ClinVar:

NM_000444.6(PHEX):c.2227_2233del (p.Met743fs)

Genes: PHEX (phosphate regulating endopeptidase X-linked; plus strand), PTCHD1-AS (PTCHD1 and PHEX antisense RNA; minus strand). Cytogenetic location: Xp22.11.
Variant type: Deletion.
Coding change: c.2227_2233del on transcript NM_000444.6 (MANE Select); coding-DNA positions 2227 to 2233, 7 bases deleted (ATGGACT; older notation c.2227_2233delATGGACT).
Protein change: p.Met743fs; shifts the reading frame from methionine 743.
Molecular consequence: frameshift variant. On other transcripts: 3 prime UTR variant (1).
Genome position (GRCh38, 1-based): chrX:22,247,930-22,247,936, ATGGACT deleted. VCF-style (leftmost placement, unchanged base first): chrX-22247929-CATGGACT-C. GRCh37 (hg19) VCF-style: chrX-22266046-CATGGACT-C.
Other names: c.*62_*68del (NM_001282754.2); short protein forms M743fs.
Identifiers: ClinVar variation 4724521 (VCV004724521.1).

ClinVar aggregate classification (germline): Pathogenic (1 of 4 stars; one submission).

Submission:

Labcorp Genetics (formerly Invitae), Labcorp
Classification: Pathogenic. Last evaluated: 2025-07-31. Review status: criteria provided, single submitter. Criteria: Invitae Variant Classification Sherloc (09022015). Collection method: clinical testing. Allele origin: germline.
Comment: This sequence change is expected to alter the c-terminus of the PHEX protein (p.Met743Profs*26). While this is not anticipated to result in nonsense mediated decay, it is expected to disrupt the last 7 amino acid(s) of the PHEX protein and extend the protein by 18 additional amino acid residues. This variant is not present in population databases (gnomAD no frequency). This variant has not been reported in the literature in individuals affected with PHEX-related conditions. This variant disrupts a region of the PHEX protein in which other variant(s) (p.Trp749Arg) have been determined to be pathogenic (PMID: 9768674, 29858904; internal data). This suggests that this is a clinically significant region of the protein, and that variants that disrupt it are likely to be disease-causing. For these reasons, this variant has been classified as Pathogenic.

Literature cited by the submitters: PubMed 9768674; PubMed 29858904.